The following is an entry in ClinVar:

NM_017636.4(TRPM4):c.1192C>T (p.Arg398Cys)

Gene: TRPM4 (transient receptor potential cation channel subfamily M member 4; plus strand). Cytogenetic location: 19q13.33.
Variant type: single nucleotide variant.
Coding change: c.1192C>T on transcript NM_017636.4 (MANE Select); coding-DNA position 1192, C replaced by T.
Protein change: p.Arg398Cys; replaces arginine 398 with cysteine.
Molecular consequence: missense variant. On other transcripts: 5 prime UTR variant (1), intron variant (1).
Genome position (GRCh38, 1-based): chr19:49,181,390, C>T. VCF-style: chr19-49181390-C-T. GRCh37 (hg19) VCF-style: chr19-49684647-C-T.
Other names: c.1192C>T, p.Arg398Cys (NM_001195227.2); c.847C>T, p.Arg283Cys (NM_001321281.2); c.-362C>T (NM_001321282.2); c.670C>T, p.Arg224Cys (NM_001321283.2); c.202-1188C>T (NM_001321285.2); short protein forms R224C, R283C, R398C.
Identifiers: ClinVar variation 1315882 (VCV001315882.5), dbSNP rs1215204975, ClinGen allele CA406797728.
Genomic context (GRCh38, chr19:49,181,390, plus strand): 5'-CTCCCTCTAATCCTTCCAGCCTGTGGGAGCTCGGAGGCCTCAGCCTACCTGGATGAGCTG[C>T]GTTTGGCTGTGGCTTGGAACCGCGTGGACATTGCCCAGAGTGAACTCTTTCGGGGGGACA-3'
Protein context (NP_060106.2, residues 388-408): SEASAYLDEL[Arg398Cys]LAVAWNRVDI

ClinVar aggregate classification (germline): Uncertain significance. Review status: criteria provided, multiple submitters, no conflicts (2 of 4 stars). 2 submissions from 2 submitters: Uncertain significance (2). Last evaluated 2024-11-12.

Conditions:
Progressive familial heart block type IB (PFHB1B). Identifiers: Orphanet 871, MedGen C1970298, MONDO:0011474, OMIM 604559.

Allele frequency attached by ClinVar (database versions not stated): gnomAD exomes below 0.00001; gnomAD 0.00001.
gnomAD v4.1: 2 of 1,613,842 alleles (0.00012%); highest among the groups gnomAD compares: Non-Finnish European, 0.00017%; no homozygotes.

Submissions (2):

GeneDx
Classification: Uncertain significance. Last evaluated: 2024-11-12. Review status: criteria provided, single submitter. Criteria: GeneDx Variant Classification Process June 2021. Collection method: clinical testing. Allele origin: germline. Affected: yes.
Comment: Has not been previously published as pathogenic or benign to our knowledge; Not observed at significant frequency in large population cohorts (gnomAD); In silico analysis supports that this missense variant has a deleterious effect on protein structure/function

Labcorp Genetics (formerly Invitae), Labcorp
Classification: Uncertain significance for Progressive familial heart block type IB. Last evaluated: 2024-05-30. Review status: criteria provided, single submitter. Criteria: Invitae Variant Classification Sherloc (09022015). Collection method: clinical testing. Allele origin: germline.
Comment: This sequence change replaces arginine, which is basic and polar, with cysteine, which is neutral and slightly polar, at codon 398 of the TRPM4 protein (p.Arg398Cys). This variant is not present in population databases (gnomAD no frequency). This variant has not been reported in the literature in individuals affected with TRPM4-related conditions. ClinVar contains an entry for this variant (Variation ID: 1315882). An algorithm developed to predict the effect of missense changes on protein structure and function (PolyPhen-2) suggests that this variant is likely to be disruptive. In summary, the available evidence is currently insufficient to determine the role of this variant in disease. Therefore, it has been classified as a Variant of Uncertain Significance.